The following is an entry in ClinVar:

ClinVar aggregate classification (germline): Uncertain significance (1 of 4 stars; one submission).

Conditions:
Long QT syndrome (LQTS). Identifiers: MedGen C0023976, MeSH D008133, MONDO:0002442. Disease mechanism: loss of function. Inheritance: Various modes of inheritance.

Submission:

Labcorp Genetics (formerly Invitae), Labcorp
Classification: Uncertain significance for Long QT syndrome. Last evaluated: 2024-09-12. Review status: criteria provided, single submitter. Criteria: Invitae Variant Classification Sherloc (09022015). Collection method: clinical testing. Allele origin: germline.
Comment: This sequence change replaces isoleucine, which is neutral and non-polar, with valine, which is neutral and non-polar, at codon 1253 of the CACNA1C protein (p.Ile1253Val). This variant is not present in population databases (gnomAD no frequency). This variant has not been reported in the literature in individuals affected with CACNA1C-related conditions. Invitae Evidence Modeling of protein sequence and biophysical properties (such as structural, functional, and spatial information, amino acid conservation, physicochemical variation, residue mobility, and thermodynamic stability) indicates that this missense variant is not expected to disrupt CACNA1C protein function with a negative predictive value of 95%. In summary, the available evidence is currently insufficient to determine the role of this variant in disease. Therefore, it has been classified as a Variant of Uncertain Significance.

NM_000719.7(CACNA1C):c.3757A>G (p.Ile1253Val)

Gene: CACNA1C (calcium voltage-gated channel subunit alpha1 C; plus strand). Cytogenetic location: 12p13.33.
Variant type: single nucleotide variant.
Coding change: c.3757A>G on transcript NM_000719.7 (MANE Select); coding-DNA position 3757, A replaced by G.
Protein change: p.Ile1253Val; replaces isoleucine 1253 with valine.
Molecular consequence: missense variant.
Genome position (GRCh38, 1-based): chr12:2,611,942, A>G. VCF-style: chr12-2611942-A-G. GRCh37 (hg19) VCF-style: chr12-2721108-A-G.
Other names: c.3817A>G, p.Ile1273Val (NM_001129827.2, NM_001129832.2, NM_199460.4); c.3757A>G, p.Ile1253Val (NM_001129829.2, NM_001129830.3, NM_001129831.2 and 15 more transcripts); c.3748A>G, p.Ile1250Val (NM_001129844.2); short protein forms I1250V, I1273V, I1253V.
Identifiers: ClinVar variation 3717542 (VCV003717542.2).